The following is an entry in ClinVar:

ClinVar aggregate classification (germline): Benign (1 of 4 stars; one submission).

Allele frequency attached by ClinVar (database versions not stated): gnomAD 0.00009 and 0.00013; gnomAD exomes 0.00012 and 0.00017; TOPMed 0.00014; ESP Exome Variant Server 0.00015; ExAC 0.00027; 1000 Genomes Project 0.00060; 1000 Genomes Project 30x 0.00062.
gnomAD v4.1: 197 of 1,606,748 alleles (0.012%); highest among the groups gnomAD compares: Admixed American, 0.073%; 1 homozygote.

Submission:

GeneDx
Classification: Benign. Last evaluated: 2014-05-17. Review status: criteria provided, single submitter. Criteria: GeneDx Variant Classification (06012015). Collection method: clinical testing. Allele origin: germline. Affected: yes.
Comment: This variant is considered likely benign or benign based on one or more of the following criteria: it is a conservative change, it occurs at a poorly conserved position in the protein, it is predicted to be benign by multiple in silico algorithms, and/or has population frequency not consistent with disease.

NM_001018005.2(TPM1):c.851+33C>T

Gene: TPM1 (tropomyosin 1; plus strand). Cytogenetic location: 15q22.2.
Variant type: single nucleotide variant.
Coding change: c.851+33C>T on transcript NM_001018005.2 (MANE Select); 33 bases into the intron after coding-DNA position 851, C replaced by T.
Molecular consequence: intron variant. On other transcripts: 3 prime UTR variant (4).
Genome position (GRCh38, 1-based): chr15:63,064,175, C>T. VCF-style: chr15-63064175-C-T. GRCh37 (hg19) VCF-style: chr15-63356374-C-T.
Other names: c.*29C>T (NM_000366.6, NM_001365779.1, NM_001365781.2 and 1 more transcripts); c.898+1530C>T (NM_001365778.1); c.772+1530C>T (NM_001018020.2, NM_001018007.2, NM_001018006.2 and 3 more transcripts); c.851+33C>T (NM_001301244.2); c.664+1530C>T (NM_001330351.2, NM_001330344.2, NM_001018008.2 and 2 more transcripts); c.743+33C>T (NM_001330346.2).
Identifiers: ClinVar variation 137696 (VCV000137696.1), dbSNP rs376843038, ClinGen allele CA017940.
Genomic context (GRCh38, chr15:63,064,175, plus strand): 5'-ACCACGCTCTCAACGATATGACTTCCATGTAAACGTTCATCCACTCTGCCTGCTTACACC[C>T]TGCCCTCATGCTAATGTAATAAACTCACCACCATGCCTTCCTTGCTCCCTAATCTCCATC-3'